The following is an entry in ClinVar:

NM_005883.3(APC2):c.293C>T (p.Pro98Leu)

Gene: APC2 (APC regulator of Wnt signaling pathway 2; plus strand). Cytogenetic location: 19p13.3.
Variant type: single nucleotide variant.
Coding change: c.293C>T on transcript NM_005883.3 (MANE Select); coding-DNA position 293, C replaced by T.
Protein change: p.Pro98Leu; replaces proline 98 with leucine.
Molecular consequence: missense variant.
Genome position (GRCh38, 1-based): chr19:1,453,491, C>T. VCF-style: chr19-1453491-C-T. GRCh37 (hg19) VCF-style: chr19-1453490-C-T.
Other names: c.293C>T, p.Pro98Leu (NM_001351273.1); short protein forms P98L.
Identifiers: ClinVar variation 2738460 (VCV002738460.3), dbSNP rs200824349, ClinGen allele CA9044676.

ClinVar aggregate classification (germline): Uncertain significance (1 of 4 stars; one submission).

Allele frequency attached by ClinVar (database versions not stated): ESP Exome Variant Server 0.00008.
gnomAD v4.1: 9 of 1,605,734 alleles (0.00056%); highest among the groups gnomAD compares: African/African-American, 0.004%; no homozygotes.

Submission:

Labcorp Genetics (formerly Invitae), Labcorp
Classification: Uncertain significance. Last evaluated: 2023-10-30. Review status: criteria provided, single submitter. Criteria: Invitae Variant Classification Sherloc (09022015). Collection method: clinical testing. Allele origin: germline.
Comment: This sequence change replaces proline, which is neutral and non-polar, with leucine, which is neutral and non-polar, at codon 98 of the APC2 protein (p.Pro98Leu). This variant is present in population databases (rs200824349, gnomAD 0.006%). This variant has not been reported in the literature in individuals affected with APC2-related conditions. An algorithm developed to predict the effect of missense changes on protein structure and function (PolyPhen-2) suggests that this variant is likely to be tolerated. In summary, the available evidence is currently insufficient to determine the role of this variant in disease. Therefore, it has been classified as a Variant of Uncertain Significance.